The following is an entry in ClinVar:

ClinVar aggregate classification (germline): Conflicting classifications of pathogenicity. Review status: criteria provided, conflicting classifications (1 of 4 stars). 2 submissions from 2 submitters: Uncertain significance (1); Likely benign (1). Last evaluated 2024-12-18.

Conditions:
ABCA4-related disorder. Also called: ABCA4-related disorders; ABCA4-related condition. Identifiers: MedGen CN239167.

gnomAD v4.1: 138 of 152,324 alleles (0.091%); highest among the groups gnomAD compares: African/African-American, 0.31%; 1 homozygote.

Submissions (2):

PreventionGenetics, part of Exact Sciences
Classification: Likely benign for ABCA4-related condition. Last evaluated: 2024-12-18. Review status: criteria provided, single submitter. Criteria: ACMG Guidelines, 2015. Collection method: clinical testing. Allele origin: germline.
Comment: This variant is classified as likely benign based on ACMG/AMP sequence variant interpretation guidelines (Richards et al. 2015 PMID: 25741868, with internal and published modifications).

Blueprint Genetics
Classification: Uncertain significance. Last evaluated: 2024-09-27. Review status: criteria provided, single submitter. Criteria: ACMG Guidelines, 2015. Collection method: clinical testing. Allele origin: germline.

NM_000350.3(ABCA4):c.4539+2085G>A

Gene: ABCA4 (ATP binding cassette subfamily A member 4; minus strand). Cytogenetic location: 1p22.1.
Variant type: single nucleotide variant.
Coding change: c.4539+2085G>A on transcript NM_000350.3 (MANE Select); 2085 bases into the intron after coding-DNA position 4539, G replaced by A.
Molecular consequence: intron variant.
Genome position (GRCh38, 1-based): chr1:94,027,360, C>T on the plus strand (G>A on the coding strand, the complement: ABCA4 is on the minus strand). VCF-style: chr1-94027360-C-T. GRCh37 (hg19) VCF-style: chr1-94492916-C-T.
Other names: c.4539+2085G>A (NM_000350.2); c.4317+2085G>A (NM_001425324.1).
Identifiers: ClinVar variation 4897821 (VCV004897821.2).